The following is an entry in ClinVar:

ClinVar aggregate classification (germline): Likely benign. Review status: criteria provided, multiple submitters, no conflicts (2 of 4 stars). 3 submissions from 3 submitters: Likely benign (3). Last evaluated 2025-08-08.

Conditions:
Maturity-onset diabetes of the young (MODY). Also called: Maturity onset diabetes mellitus in young. Identifiers: Orphanet 552, MedGen C0342276, MONDO:0018911, HP:0004904.
Type 2 diabetes mellitus. Also called: Type II diabetes mellitus. Identifiers: MedGen C0011860, MeSH D003924, MONDO:0005148, OMIM 125853, HP:0005978.
Maturity-onset diabetes of the young type 1. Also called: MODY type 1; Diabetes mellitus MODY type 1; MODY HNF4A related; HNF4A-Related Maturity-Onset Diabetes of the Young Type 1; MODY, type I; MILD JUVENILE DIABETES MELLITUS. Identifiers: Orphanet 552, MedGen C1852093, MONDO:0007452, OMIM 125850. Disease mechanism: loss of function.
Fanconi renotubular syndrome 4 with maturity-onset diabetes of the young (FRTS4). Also called: FRTS4 WITH MODY. Identifiers: Orphanet 93111, MedGen C4014962, MONDO:0014458, OMIM 616026.

Allele frequency attached by ClinVar (database versions not stated): ExAC 0.00003; gnomAD 0.00003 and 0.00004; gnomAD exomes 0.00003 and 0.00008; TOPMed 0.00006.
gnomAD v4.1: 52 of 1,613,962 alleles (0.0032%); highest among the groups gnomAD compares: Admixed American, 0.028%; no homozygotes.

Submissions (3):

Labcorp Genetics (formerly Invitae), Labcorp
Classification: Likely benign. Last evaluated: 2025-08-08. Review status: criteria provided, single submitter. Criteria: Invitae Variant Classification Sherloc (09022015). Collection method: clinical testing. Allele origin: germline.

Fulgent Genetics
Classification: Likely benign for Maturity-onset diabetes of the young type 1; Type 2 diabetes mellitus; Fanconi renotubular syndrome 4 with maturity-onset diabetes of the young. Last evaluated: 2021-08-12. Review status: criteria provided, single submitter. Criteria: ACMG Guidelines, 2015. Collection method: clinical testing. Allele origin: unknown.

Clinical Genomics, Uppaluri K&H Personalized Medicine Clinic
Classification: Likely benign for Maturity-onset diabetes of the young. Review status: criteria provided, single submitter. Criteria: K & H Uppaluri Personalized Medicine Clinic Variant Classification & Assertion Criteria_Updated V.1. Collection method: research. Allele origin: unknown. Inheritance: Autosomal dominant inheritance.
Comment: Potent mutations in HNF4A are associated with poor insulin secretion in response to hyperglycemia. Associated with MODY1. Patients initially respond well to sulfonylureas but eventually become insulin dependent. However, more evidence is required to ascertain the role of this particular variant rs751892618 in MODY, yet.

Literature cited by the submitters: DOI 10.1159/000334532 (cited by Clinical Genomics, Uppaluri K&H Personalized Medicine Clinic); PubMed 18268044 (cited by Clinical Genomics, Uppaluri K&H Personalized Medicine Clinic); PubMed 17563455 (cited by Clinical Genomics, Uppaluri K&H Personalized Medicine Clinic); PubMed 32583173 (cited by Clinical Genomics, Uppaluri K&H Personalized Medicine Clinic); PubMed 35052457 (cited by Clinical Genomics, Uppaluri K&H Personalized Medicine Clinic); PubMed 35118593 (cited by Clinical Genomics, Uppaluri K&H Personalized Medicine Clinic).

NM_175914.5(HNF4A):c.1026C>T (p.Ala342=)

Gene: HNF4A (hepatocyte nuclear factor 4 alpha; plus strand). Cytogenetic location: 20q13.12.
Variant type: single nucleotide variant.
Coding change: c.1026C>T on transcript NM_175914.5 (MANE Select); coding-DNA position 1026, C replaced by T.
Protein change: p.Ala342=; no amino-acid change (alanine 342 retained).
Molecular consequence: synonymous variant.
Genome position (GRCh38, 1-based): chr20:44,424,217, C>T. VCF-style: chr20-44424217-C-T. GRCh37 (hg19) VCF-style: chr20-43052857-C-T.
Other names: c.1092C>T, p.Ala364= (NM_000457.6, NM_178849.3, NM_178850.3); c.1026C>T, p.Ala342= (NM_001030003.3, NM_001030004.3); c.1071C>T, p.Ala357= (NM_001258355.2); c.1017C>T, p.Ala339= (NM_001287182.2, NM_001287183.2, NM_001287184.2).
Identifiers: ClinVar variation 736784 (VCV000736784.10), dbSNP rs751892618, ClinGen allele CA9870432.